The following is an entry in ClinVar:

ClinVar aggregate classification (germline): Uncertain significance (1 of 4 stars; one submission).

gnomAD v4.1: 9 of 1,614,106 alleles (0.00056%); highest among the groups gnomAD compares: Non-Finnish European, 0.00068%; no homozygotes.

Submission:

Labcorp Genetics (formerly Invitae), Labcorp
Classification: Uncertain significance. Last evaluated: 2024-11-19. Review status: criteria provided, single submitter. Criteria: Invitae Variant Classification Sherloc (09022015). Collection method: clinical testing. Allele origin: germline.
Comment: This sequence change replaces valine, which is neutral and non-polar, with leucine, which is neutral and non-polar, at codon 860 of the ABCA4 protein (p.Val860Leu). This variant is not present in population databases (gnomAD no frequency). This variant has not been reported in the literature in individuals affected with ABCA4-related conditions. Invitae Evidence Modeling of protein sequence and biophysical properties (such as structural, functional, and spatial information, amino acid conservation, physicochemical variation, residue mobility, and thermodynamic stability) indicates that this missense variant is expected to disrupt ABCA4 protein function with a positive predictive value of 95%. In summary, the available evidence is currently insufficient to determine the role of this variant in disease. Therefore, it has been classified as a Variant of Uncertain Significance.

NM_000350.3(ABCA4):c.2578G>T (p.Val860Leu)

Gene: ABCA4 (ATP binding cassette subfamily A member 4; minus strand). Cytogenetic location: 1p22.1.
Variant type: single nucleotide variant.
Coding change: c.2578G>T on transcript NM_000350.3 (MANE Select); coding-DNA position 2578, G replaced by T.
Protein change: p.Val860Leu; replaces valine 860 with leucine.
Molecular consequence: missense variant.
Genome position (GRCh38, 1-based): chr1:94,055,120, C>A on the plus strand (G>T on the coding strand, the complement: ABCA4 is on the minus strand). VCF-style: chr1-94055120-C-A. GRCh37 (hg19) VCF-style: chr1-94520676-C-A.
Other names: c.2356G>T, p.Val786Leu (NM_001425324.1); short protein forms V786L, V860L.
Identifiers: ClinVar variation 3623172 (VCV003623172.2).